The following is an entry in ClinVar:

GRCh38/hg38 17q12(chr17:36719878-37889304)x1

Genes: DUSP14 (dual specificity phosphatase 14; plus strand), AATF (apoptosis antagonizing transcription factor; plus strand), ACACA (acetyl-CoA carboxylase alpha; minus strand), C17orf78 (chromosome 17 open reading frame 78; plus strand), DDX52 (DExD-box helicase 52; minus strand) and 22 more. Cytogenetic location: 17q12.
Variant type: copy number loss.
Change: copy number 1 (one copy instead of two) of chr17:36,719,878-37,889,304 (1.17 Mb, GRCh38 coordinates, 1-based), cytogenetic band 17q12.
Identifiers: ClinVar variation 1338823 (VCV001338823.2).

ClinVar aggregate classification (germline): Pathogenic (0 of 4 stars; one submission).

Conditions:
Diaphragmatic eventration. Also called: Diaphragmatic eventration (disease). Identifiers: MedGen C0011981, MeSH D003965, MONDO:0006726, HP:0009110.

Submission:

Daryl Scott Lab, Baylor College of Medicine
Classification: Pathogenic for Diaphragmatic eventration. Last evaluated: 2026-08-20. Review status: no assertion criteria provided. Collection method: clinical testing. Allele origin: de novo. Inheritance: Autosomal dominant inheritance. Affected: yes. Observed: 1 heterozygote.
Comment: ClinGen Gene Dosage Map curation for the gene HNF1B.

Literature cited by the submitters: PubMed 35904974.